The following is an entry in ClinVar:

NM_004260.4(RECQL4):c.872C>T (p.Ala291Val)

Gene: RECQL4 (RecQ like helicase 4; minus strand). Cytogenetic location: 8q24.3.
Variant type: single nucleotide variant.
Coding change: c.872C>T on transcript NM_004260.4 (MANE Select); coding-DNA position 872, C replaced by T.
Protein change: p.Ala291Val; replaces alanine 291 with valine.
Molecular consequence: missense variant.
Genome position (GRCh38, 1-based): chr8:144,516,247, G>A on the plus strand (C>T on the coding strand, the complement: RECQL4 is on the minus strand). VCF-style: chr8-144516247-G-A. GRCh37 (hg19) VCF-style: chr8-145741631-G-A.
Other names: short protein forms A291V.
Identifiers: ClinVar variation 1005646 (VCV001005646.5), dbSNP rs1396400224, ClinGen allele CA372688862.

ClinVar aggregate classification (germline): Uncertain significance (1 of 4 stars; one submission).

Conditions:
Baller-Gerold syndrome (BGS). Also called: CRANIOSYNOSTOSIS WITH RADIAL DEFECTS. Identifiers: Orphanet 1225, MedGen C0265308, MONDO:0009039, OMIM 218600.

Submission:

Labcorp Genetics (formerly Invitae), Labcorp
Classification: Uncertain significance for Baller-Gerold syndrome. Last evaluated: 2023-05-17. Review status: criteria provided, single submitter. Criteria: Invitae Variant Classification Sherloc (09022015). Collection method: clinical testing. Allele origin: germline.
Comment: This sequence change replaces alanine, which is neutral and non-polar, with valine, which is neutral and non-polar, at codon 291 of the RECQL4 protein (p.Ala291Val). This variant is not present in population databases (gnomAD no frequency). In summary, the available evidence is currently insufficient to determine the role of this variant in disease. Therefore, it has been classified as a Variant of Uncertain Significance. Advanced modeling of protein sequence and biophysical properties (such as structural, functional, and spatial information, amino acid conservation, physicochemical variation, residue mobility, and thermodynamic stability) performed at Invitae indicates that this missense variant is not expected to disrupt RECQL4 protein function. ClinVar contains an entry for this variant (Variation ID: 1005646). This variant has not been reported in the literature in individuals affected with RECQL4-related conditions.